The following is an entry in ClinVar:

NM_002076.4(GNS):c.739G>A (p.Ala247Thr)

Gene: GNS (glucosamine (N-acetyl)-6-sulfatase; minus strand). Cytogenetic location: 12q14.3.
Variant type: single nucleotide variant.
Coding change: c.739G>A on transcript NM_002076.4 (MANE Select); coding-DNA position 739, G replaced by A.
Protein change: p.Ala247Thr; replaces alanine 247 with threonine.
Molecular consequence: missense variant.
Genome position (GRCh38, 1-based): chr12:64,743,194, C>T on the plus strand (G>A on the coding strand, the complement: GNS is on the minus strand). VCF-style: chr12-64743194-C-T. GRCh37 (hg19) VCF-style: chr12-65136974-C-T.
Other names: short protein forms A247T.
Identifiers: ClinVar variation 2166285 (VCV002166285.1), dbSNP rs374471832, ClinGen allele CA6669858.
Genomic context (GRCh38, chr12:64,743,194, plus strand): 5'-AAGCTACCGTTCCATGGATGTTGAAGTTCTTGTTTCTTGGTGCAAAGACATTCTGGAAAG[C>T]CTTCTGGTACTGAGGTGCAGCTGTCCAAGGCGAATGAGGCGCTGGAGTGGCGATCATCAT-3'
Protein context (NP_002067.1, residues 237-257): PWTAAPQYQK[Ala247Thr]FQNVFAPRNK

ClinVar aggregate classification (germline): Uncertain significance (1 of 4 stars; one submission).

Conditions:
Mucopolysaccharidosis, MPS-III-D (MPS3D). Also called: N-ACETYLGLUCOSAMINE-6-SULFATASE DEFICIENCY; SANFILIPPO SYNDROME D; MPS III D; Mucopoly-saccharidosis type 3D; N-acetylglucosamine-6-sulfate sulfatase deficiency; MPS 3D. Identifiers: Orphanet 581, Orphanet 79272, MedGen C0086650, MONDO:0009658, OMIM 252940.

Allele frequency attached by ClinVar (database versions not stated): ExAC 0.00001; gnomAD 0.00001; ESP Exome Variant Server 0.00008; gnomAD exomes 0.00005.
gnomAD v4.1: 80 of 1,613,374 alleles (0.005%); highest among the groups gnomAD compares: Non-Finnish European, 0.0063%; no homozygotes.

Submission:

Labcorp Genetics (formerly Invitae), Labcorp
Classification: Uncertain significance for Mucopolysaccharidosis, MPS-III-D. Last evaluated: 2022-07-15. Review status: criteria provided, single submitter. Criteria: Invitae Variant Classification Sherloc (09022015). Collection method: clinical testing. Allele origin: germline.
Comment: This sequence change replaces alanine, which is neutral and non-polar, with threonine, which is neutral and polar, at codon 247 of the GNS protein (p.Ala247Thr). This variant is present in population databases (rs374471832, gnomAD 0.004%). This variant has not been reported in the literature in individuals affected with GNS-related conditions. Algorithms developed to predict the effect of missense changes on protein structure and function output the following: SIFT: "Tolerated"; PolyPhen-2: "Benign"; Align-GVGD: "Class C0". The threonine amino acid residue is found in multiple mammalian species, which suggests that this missense change does not adversely affect protein function. In summary, the available evidence is currently insufficient to determine the role of this variant in disease. Therefore, it has been classified as a Variant of Uncertain Significance.